The following is an entry in ClinVar:

ClinVar aggregate classification (germline): Benign/Likely benign. Review status: criteria provided, multiple submitters, no conflicts (2 of 4 stars). 3 submissions from 3 submitters: Benign (2); Likely benign (1). Last evaluated 2026-04-15.

Conditions:
X-linked severe combined immunodeficiency (SCIDX1). Also called: X-Linked Combined Immunodeficiency Diseases; SCID, X-LINKED; SEVERE COMBINED IMMUNODEFICIENCY, X-LINKED, T CELL-NEGATIVE, B CELL-POSITIVE, NK CELL-NEGATIVE; T-B+ severe combined immunodeficiency due to gamma chain deficiency; IMMUNODEFICIENCY 4. Identifiers: Orphanet 276, MedGen C6022468, MONDO:0010315, OMIM 300400. Disease mechanism: loss of function.

Allele frequency attached by ClinVar (database versions not stated): ESP Exome Variant Server 0.00009; TOPMed 0.00018; 1000 Genomes Project 30x 0.00104; gnomAD exomes 0.00125 and 0.00270; 1000 Genomes Project 0.00132; gnomAD 0.00175 and 0.00189; ExAC 0.00192.
gnomAD v4.1: 1,532 of 1,184,879 alleles (0.13%); highest among the groups gnomAD compares: Non-Finnish European, 0.018%; 18 homozygotes.

Submissions (3):

Women's Health and Genetics/Laboratory Corporation of America, LabCorp
Classification: Likely benign. Last evaluated: 2026-04-15. Review status: criteria provided, single submitter. Criteria: LabCorp Variant Classification Summary - May 2015. Collection method: clinical testing. Allele origin: germline.

Labcorp Genetics (formerly Invitae), Labcorp
Classification: Benign for X-linked severe combined immunodeficiency. Last evaluated: 2026-01-21. Review status: criteria provided, single submitter. Criteria: Invitae Variant Classification Sherloc (09022015). Collection method: clinical testing. Allele origin: germline.

Illumina Laboratory Services, Illumina
Classification: Benign for X-linked severe combined immunodeficiency. Last evaluated: 2018-01-13. Review status: criteria provided, single submitter. Criteria: ICSL Variant Classification Criteria 13 December 2019. Collection method: clinical testing. Allele origin: germline.
Comment: This variant was observed in the ICSL laboratory as part of a predisposition screen in an ostensibly healthy population. It had not been previously curated by ICSL or reported in the Human Gene Mutation Database (HGMD: prior to June 1st, 2018), and was therefore a candidate for classification through an automated scoring system. Utilizing variant allele frequency, disease prevalence and penetrance estimates, and inheritance mode, an automated score was calculated to assess if this variant is too frequent to cause the disease. Based on the score and internal cut-off values, a variant classified as benign is not then subjected to further curation. The score for this variant resulted in a classification of benign for this disease.

NM_000206.3(IL2RG):c.858G>A (p.Thr286=)

Gene: IL2RG (interleukin 2 receptor subunit gamma; minus strand). Cytogenetic location: Xq13.1.
Variant type: single nucleotide variant.
Coding change: c.858G>A on transcript NM_000206.3 (MANE Select); coding-DNA position 858, G replaced by A.
Protein change: p.Thr286=; no amino-acid change (threonine 286 retained).
Molecular consequence: synonymous variant.
Genome position (GRCh38, 1-based): chrX:71,108,343, C>T on the plus strand (G>A on the coding strand, the complement: IL2RG is on the minus strand). VCF-style: chrX-71108343-C-T. GRCh37 (hg19) VCF-style: chrX-70328193-C-T.
Identifiers: ClinVar variation 368617 (VCV000368617.15), dbSNP rs148001866, ClinGen allele CA10443789.